The following is an entry in ClinVar:

ClinVar aggregate classification (germline): Pathogenic (1 of 4 stars; one submission).

Conditions:
Cohen syndrome (COH1). Also called: PEPPER SYNDROME; Cutis verticis gyrata, retinitis pigmentosa, and sensorineural deafness. Identifiers: Orphanet 193, MedGen C0265223, MONDO:0008999, OMIM 216550.

Submission:

Labcorp Genetics (formerly Invitae), Labcorp
Classification: Pathogenic for Cohen syndrome. Last evaluated: 2020-06-01. Review status: criteria provided, single submitter. Criteria: Invitae Variant Classification Sherloc (09022015). Collection method: clinical testing. Allele origin: germline.
Comment: This sequence change creates a premature translational stop signal (p.Leu796Hisfs*32) in the VPS13B gene. It is expected to result in an absent or disrupted protein product. This variant is not present in population databases (ExAC no frequency). This variant has not been reported in the literature in individuals with VPS13B-related conditions. Loss-of-function variants in VPS13B are known to be pathogenic (PMID: 15141358, 16648375, 20461111). For these reasons, this variant has been classified as Pathogenic.

Literature cited by the submitters: PubMed 15141358; PubMed 16648375; PubMed 20461111.

NM_152564.5(VPS13B):c.2387_2388del (p.Leu796fs)

Gene: VPS13B (vacuolar protein sorting 13 homolog B; plus strand). Cytogenetic location: 8q22.2.
Variant type: Microsatellite.
Coding change: c.2387_2388del on transcript NM_152564.5 (MANE Select); coding-DNA positions 2387 to 2388, 2 bases deleted (TC; older notation c.2387_2388delTC).
Protein change: p.Leu796fs; shifts the reading frame from leucine 796.
Molecular consequence: frameshift variant.
Genome position (GRCh38, 1-based): chr8:99,192,929-99,192,930, TC deleted; deleting any 2 consecutive bases within chr8:99,192,927-99,192,930 gives the same sequence; the c. name uses the placement nearest the transcript's 3' end. VCF-style (leftmost placement, unchanged base first): chr8-99192926-ATC-A. GRCh37 (hg19) VCF-style: chr8-100205154-ATC-A.
Other names: c.2387_2388del, p.Leu796fs (NM_015243.3, NM_017890.5); short protein forms L796fs.
Identifiers: ClinVar variation 1070547 (VCV001070547.7), dbSNP rs2132728144, ClinGen allele CA2580617201.